The following is an entry in ClinVar:

NM_173628.4(DNAH17):c.5226G>T (p.Met1742Ile)

Genes: DNAH17 (dynein axonemal heavy chain 17; minus strand), DNAH17-AS1 (DNAH17 antisense RNA 1; plus strand). Cytogenetic location: 17q25.3.
Variant type: single nucleotide variant.
Coding change: c.5226G>T on transcript NM_173628.4 (MANE Select); coding-DNA position 5226, G replaced by T.
Protein change: p.Met1742Ile; replaces methionine 1742 with isoleucine.
Molecular consequence: missense variant. On other transcripts: non-coding transcript variant (1).
Genome position (GRCh38, 1-based): chr17:78,501,838, C>A on the plus strand (G>T on the coding strand, the complement: DNAH17 is on the minus strand). VCF-style: chr17-78501838-C-A. GRCh37 (hg19) VCF-style: chr17-76497920-C-A.
Other names: short protein forms M1742I.
Identifiers: ClinVar variation 402686 (VCV000402686.9), dbSNP rs690844, ClinGen allele CA8803359.

ClinVar aggregate classification (germline): Benign. Review status: criteria provided, multiple submitters, no conflicts (2 of 4 stars). 4 submissions from 4 submitters: Benign (3). 1 of the submissions does not count toward it. Last evaluated 2021-05-04.

Conditions:
DNAH17-related disorder. Also called: DNAH17-related condition.

Allele frequency attached by ClinVar (database versions not stated): gnomAD exomes 0.69077 and 0.64618; 1000 Genomes Project 30x 0.73720; 1000 Genomes Project 0.73882; ESP Exome Variant Server 0.64296; gnomAD 0.66261 and 0.66687; TOPMed 0.67488; ExAC 0.68229.

Submissions (4):

GeneDx
Classification: Benign. Last evaluated: 2021-05-04. Review status: criteria provided, single submitter. Criteria: GeneDx Variant Classification Process June 2021. Collection method: clinical testing. Allele origin: germline. Affected: yes.

Laboratory for Molecular Medicine, Mass General Brigham Personalized Medicine
Classification: Benign. Last evaluated: 2016-03-29. Review status: criteria provided, single submitter. Criteria: LMM Criteria. Collection method: clinical testing. Allele origin: germline.
Comment: Variant identified in a genome or exome case(s) and assessed due to predicted null impact of the variant or pathogenic assertions in the literature or databases. Disclaimer: This variant has not undergone full assessment. The following are preliminary notes: Frequency

Breakthrough Genomics
Classification: Benign. Review status: criteria provided, single submitter. Criteria: ACMG Guidelines, 2015. Collection method: not provided. Allele origin: germline. Inheritance: Autosomal recessive inheritance. Affected: yes.

PreventionGenetics, part of Exact Sciences
Classification: Benign for DNAH17-related condition. Last evaluated: 2019-10-17. Review status: no assertion criteria provided. Collection method: clinical testing. Allele origin: germline. Not counted in ClinVar's aggregate classification.
Comment: This variant is classified as benign based on ACMG/AMP sequence variant interpretation guidelines (Richards et al. 2015 PMID: 25741868, with internal and published modifications).